The following is an entry in ClinVar:

ClinVar aggregate classification (germline): Pathogenic. Review status: criteria provided, multiple submitters, no conflicts (2 of 4 stars). 9 submissions from 9 submitters: Pathogenic (9). Last evaluated 2025-09-23.

Conditions:
Inborn genetic diseases. Identifiers: MedGen C0950123, MeSH D030342.
Bardet-Biedl syndrome (BBS). Identifiers: Orphanet 110, MedGen C0752166, MONDO:0015229.
Bardet-Biedl syndrome 1 (BBS1). Identifiers: MedGen C2936862, MONDO:0008854, OMIM 209900. Disease mechanism: loss of function.
BBS1-related disorder. Also called: BBS1-related condition.
Retinal dystrophy. Also called: Inherited retinal dystrophy. Identifiers: Orphanet 71862, MedGen C0854723, MeSH D058499, MONDO:0019118, HP:0000556.

Allele frequency attached by ClinVar (database versions not stated): gnomAD 0.00001.
gnomAD v4.1: 20 of 1,604,816 alleles (0.0012%); highest among the groups gnomAD compares: Admixed American, 0.0017%; no homozygotes.

Submissions (9):

Natera, Inc.
Classification: Pathogenic for Bardet-Biedl syndrome type 1. Last evaluated: 2025-09-23. Review status: criteria provided, single submitter. Criteria: Natera Variant Classification Schema (03/2026). Collection method: clinical testing. Allele origin: germline.
Comment: The c.1447C>T variant in BBS1 is a nonsense variant predicted to introduce a stop codon at amino acid 483. This variant is expected to result in nonsense mediated decay, truncation, or a dysfunctional protein product. This variant is rare in the general population with a frequency below the threshold expected for the associated phenotype(s). This variant has been observed in one or more individuals affected with the associated recessive disease, as either homozygous or compound heterozygous with a second variant (PMID: 20177705). Given the available evidence, this variant is classified as Pathogenic.

Labcorp Genetics (formerly Invitae), Labcorp
Classification: Pathogenic for Bardet-Biedl syndrome. Last evaluated: 2023-09-08. Review status: criteria provided, single submitter. Criteria: Invitae Variant Classification Sherloc (09022015). Collection method: clinical testing. Allele origin: germline.
Comment: ClinVar contains an entry for this variant (Variation ID: 649714). This sequence change creates a premature translational stop signal (p.Arg483*) in the BBS1 gene. It is expected to result in an absent or disrupted protein product. Loss-of-function variants in BBS1 are known to be pathogenic (PMID: 12118255, 21520335, 27032803). The frequency data for this variant in the population databases is considered unreliable, as metrics indicate poor data quality at this position in the gnomAD database. This premature translational stop signal has been observed in individual(s) with Bardet-Biedl syndrome (PMID: 12677556). For these reasons, this variant has been classified as Pathogenic.

GeneDx
Classification: Pathogenic. Last evaluated: 2022-08-16. Review status: criteria provided, single submitter. Criteria: GeneDx Variant Classification Process June 2021. Collection method: clinical testing. Allele origin: germline. Affected: yes.
Comment: Identified with a second BBS1 variant in multiple individuals with clinical features of Bardet-Biedl syndrome in published literature (Gerth et al., 2008; Muller et al., 2010; Deveault et al., 2011; Jacobson et al., 2014; Grudzinska Pechhacker et al., 2021); Nonsense variant predicted to result in protein truncation or nonsense mediated decay in a gene for which loss of function is a known mechanism of disease; Not observed at significant frequency in large population cohorts (gnomAD); This variant is associated with the following publications: (PMID: 25525159, 17980398, 20177705, 25074776, 21344540, 12677556, 34940782)

Ambry Genetics
Classification: Pathogenic for Inborn genetic diseases. Last evaluated: 2022-05-10. Review status: criteria provided, single submitter. Criteria: Ambry Variant Classification Scheme 2023. Collection method: clinical testing. Allele origin: germline.
Comment: The c.1447C>T (p.R483*) alteration, located in exon 14 (coding exon 14) of the BBS1 gene, consists of a C to T substitution at nucleotide position 1447. This changes the amino acid from an arginine (R) to a stop codon at amino acid position 483. This alteration is expected to result in loss of function by premature protein truncation or nonsense-mediated mRNA decay. Based on data from gnomAD, the T allele has an overall frequency of 0.001% (3/240090) total alleles studied. The highest observed frequency was 0.003% (3/111230) of European (non-Finnish) alleles. This alteration has been detected in conjunction with another BBS1 pathogenic mutation in multiple individuals with features of BBS1-related Bardet-Biedl syndrome (Muller, 2010; Garth, 2008; Deveault, 2011; Kerr, 2016; Beales, 2003). Based on the available evidence, this alteration is classified as pathogenic.

Fulgent Genetics
Classification: Pathogenic for Bardet-Biedl syndrome 1. Last evaluated: 2022-03-08. Review status: criteria provided, single submitter. Criteria: ACMG Guidelines, 2015. Collection method: clinical testing. Allele origin: unknown.

Blueprint Genetics
Classification: Pathogenic for BBS1-related disorders. Last evaluated: 2019-12-27. Review status: criteria provided, single submitter. Criteria: ACMG Guidelines, 2015. Collection method: clinical testing. Allele origin: germline. Affected: yes. Observed: 3 variant alleles.

Women's Health and Genetics/Laboratory Corporation of America, LabCorp
Classification: Pathogenic for Bardet-Biedl syndrome. Last evaluated: 2019-11-22. Review status: criteria provided, single submitter. Criteria: LabCorp Variant Classification Summary - May 2015. Collection method: clinical testing. Allele origin: germline.
Comment: Variant summary: BBS1 c.1447C>T (p.Arg483X) results in a premature termination codon, predicted to cause a truncation of the encoded protein or absence of the protein due to nonsense mediated decay, which are commonly known mechanisms for disease. Truncations downstream of this position have been classified as pathogenic by our laboratory. The variant allele was found at a frequency of 1.2e-05 in 240090 control chromosomes (gnomAD). c.1447C>T has been reported in the literature in individuals affected with Bardet-Biedl Syndrome (BEales_2003, Deveault_2011, gerth_2008, Jacobson_2014, Muller_2010). These data indicate that the variant is likely to be associated with disease. To our knowledge, no experimental evidence demonstrating an impact on protein function has been reported. A ClinVar submission (evaluation after 2014) cites the variant as pathogenic. Based on the evidence outlined above, the variant was classified as pathogenic.

Institute of Human Genetics, Univ. Regensburg, Univ. Regensburg
Classification: Pathogenic for Retinal dystrophy. Last evaluated: 2012-01-01. Review status: criteria provided, single submitter. Criteria: ACMG Guidelines, 2015. Collection method: clinical testing. Allele origin: germline. Affected: yes.

Kariminejad - Najmabadi Pathology & Genetics Center
Classification: Pathogenic for Bardet-Biedl syndrome 1. Review status: criteria provided, single submitter. Criteria: ACMG Guidelines, 2015. Collection method: clinical testing. Allele origin: germline. Affected: no.

Literature cited by the submitters: PubMed 20177705 (cited by 3 submitters); PubMed 12118255 (cited by Labcorp Genetics (formerly Invitae), Labcorp); PubMed 21520335 (cited by Labcorp Genetics (formerly Invitae), Labcorp); PubMed 27032803 (cited by Labcorp Genetics (formerly Invitae), Labcorp); PubMed 12677556 (cited by 4 submitters); PubMed 17980398 (cited by Ambry Genetics and Women's Health and Genetics/Laboratory Corporation of America, LabCorp); PubMed 21344540 (cited by Ambry Genetics and Women's Health and Genetics/Laboratory Corporation of America, LabCorp); PubMed 25988237 (cited by Ambry Genetics); PubMed 25074776 (cited by Women's Health and Genetics/Laboratory Corporation of America, LabCorp); PubMed 25525159 (cited by Institute of Human Genetics, Univ. Regensburg, Univ. Regensburg); PubMed 34940782 (cited by Institute of Human Genetics, Univ. Regensburg, Univ. Regensburg); PubMed 35314707 (cited by Institute of Human Genetics, Univ. Regensburg, Univ. Regensburg); PubMed 36460718 (cited by Institute of Human Genetics, Univ. Regensburg, Univ. Regensburg).

NM_024649.5(BBS1):c.1447C>T (p.Arg483Ter)

Genes: BBS1 (Bardet-Biedl syndrome 1; plus strand), ZDHHC24 (zDHHC palmitoyltransferase 24; minus strand). Cytogenetic location: 11q13.2.
Variant type: single nucleotide variant.
Coding change: c.1447C>T on transcript NM_024649.5 (MANE Select); coding-DNA position 1447, C replaced by T.
Protein change: p.Arg483Ter; replaces arginine 483 with a stop codon.
Molecular consequence: nonsense. On other transcripts: intron variant (1).
Genome position (GRCh38, 1-based): chr11:66,529,926, C>T. VCF-style: chr11-66529926-C-T. GRCh37 (hg19) VCF-style: chr11-66297397-C-T.
Other names: c.560-438G>A (NM_001348571.2); short protein forms R483*.
Identifiers: ClinVar variation 649714 (VCV000649714.22), dbSNP rs745656125, ClinGen allele CA6123770.
Genomic context (GRCh38, chr11:66,529,926, plus strand): 5'-GCTGCCCGCGCCTACCTGCAGGCCCTCGAGTCCAGCCTGAGCCCCCTGTCCACGACAGCC[C>T]GAGAGCCACTCAAGCTGCACGCCGTGGTGAGCATCTGGGTGAGGGCAGAGTCAGGGCCAG-3'